The following is an entry in ClinVar:

ClinVar aggregate classification (germline): Pathogenic. Review status: criteria provided, multiple submitters, no conflicts (2 of 4 stars). 6 submissions from 6 submitters: Pathogenic (3). 3 of the submissions do not count toward it. Last evaluated 2022-03-22.

Conditions:
Epidermolysis bullosa simplex 1D, generalized, intermediate or severe, autosomal recessive. Identifiers: Orphanet 89838, MedGen C3715082, MONDO:0010976, OMIM 601001.
Abnormality of the skin. Identifiers: MedGen C5848159, HP:0000951.
Sjögren-Larsson syndrome (SLS). Also called: FALDH DEFICIENCY; FATTY ALCOHOL:NAD+ OXIDOREDUCTASE DEFICIENCY; FATTY ALDEHYDE DEHYDROGENASE DEFICIENCY; ICHTHYOSIS, SPASTIC NEUROLOGIC DISORDER, AND OLIGOPHRENIA. Identifiers: Orphanet 816, MedGen C0037231, MONDO:0010031, OMIM 270200.

Allele frequency attached by ClinVar (database versions not stated): gnomAD exomes 0.00001; ExAC 0.00003.

Submissions (6):

3billion
Classification: Pathogenic for Epidermolysis bullosa simplex 1D, generalized, intermediate or severe, autosomal recessive. Last evaluated: 2022-03-22. Review status: criteria provided, single submitter. Criteria: ACMG Guidelines, 2015. Collection method: clinical testing. Allele origin: germline. Affected: yes. Observed: 1 homozygote.
Comment: Frameshift: predicted to result in a loss or disruption of normal protein function through nonsense-mediated decay (NMD) or protein truncation. Multiple pathogenic variants are reported downstream of the variant. This variant has been reported as pathogenic (ClinVar ID: VCV000066385, PMID:10971341, 3billion dataset).It is observed at an extremely low frequency in the gnomAD v2.1.1 dataset (total allele frequency:0.0000104). Therefore, this variant is classified as pathogenic according to the recommendation of ACMG/AMP guideline.

Labcorp Genetics (formerly Invitae), Labcorp
Classification: Pathogenic. Last evaluated: 2021-08-21. Review status: criteria provided, single submitter. Criteria: Invitae Variant Classification Sherloc (09022015). Collection method: clinical testing. Allele origin: germline.
Comment: For these reasons, this variant has been classified as Pathogenic. This sequence change creates a premature translational stop signal (p.Ile31Thrfs*87) in the KRT14 gene. It is expected to result in an absent or disrupted protein product. Loss-of-function variants in KRT14 are known to be pathogenic (PMID: 16614722, 27283507, 29130490). The frequency data for this variant in the population databases is considered unreliable, as metrics indicate poor data quality at this position in the ExAC database. This premature translational stop signal has been observed in individuals with epidermolysis bullosa simplex (PMID: 10971341, 28830826). ClinVar contains an entry for this variant (Variation ID: 66385).

Kariminejad - Najmabadi Pathology & Genetics Center
Classification: Pathogenic for Abnormality of the skin. Last evaluated: 2021-07-10. Review status: criteria provided, single submitter. Criteria: ACMG Guidelines, 2015. Collection method: clinical testing. Allele origin: germline. Affected: yes.

OMIM
Classification: Pathogenic for EPIDERMOLYSIS BULLOSA SIMPLEX 1D, GENERALIZED INTERMEDIATE, AUTOSOMAL RECESSIVE. Last evaluated: 2000-09-01. Review status: no assertion criteria provided. Collection method: literature only. Allele origin: germline. Not counted in ClinVar's aggregate classification.

Epithelial Biology;  Institute of Medical Biology, Singapore
No classification provided. Review status: no classification provided. Collection method: not provided. Allele origin: not provided. Not counted in ClinVar's aggregate classification.

University of Washington Center for Mendelian Genomics, University of Washington
Classification: Likely pathogenic for Sjogren-Larsson syndrome. Review status: no assertion criteria provided. Collection method: research. Allele origin: inherited. Affected: yes. Not counted in ClinVar's aggregate classification.

Literature cited by the submitters: PubMed 10971341 (cited by 3 submitters); PubMed 16614722 (cited by Labcorp Genetics (formerly Invitae), Labcorp); PubMed 27283507 (cited by Labcorp Genetics (formerly Invitae), Labcorp); PubMed 29130490 (cited by Labcorp Genetics (formerly Invitae), Labcorp and University of Washington Center for Mendelian Genomics, University of Washington); PubMed 28830826 (cited by Labcorp Genetics (formerly Invitae), Labcorp).

NM_000526.5(KRT14):c.92del (p.Ile31fs)

Gene: KRT14 (keratin 14; minus strand). Cytogenetic location: 17q21.2.
Variant type: Deletion.
Coding change: c.92del on transcript NM_000526.5 (MANE Select); coding-DNA position 92, one base deleted (T; older notation c.92delT).
Protein change: p.Ile31fs; shifts the reading frame from isoleucine 31.
Molecular consequence: frameshift variant.
Genome position (GRCh38, 1-based): chr17:41,586,743, A deleted on the plus strand (T on the coding strand, the reverse complement: KRT14 is on the minus strand). VCF-style (leftmost placement, unchanged base first): chr17-41586742-GA-G. GRCh37 (hg19) VCF-style: chr17-39742994-GA-G.
Other names: c.92delT (NM_000526.5); short protein forms I31fs.
Identifiers: ClinVar variation 66385 (VCV000066385.30), dbSNP rs60231560, ClinGen allele CA216994.
Genomic context (GRCh38, chr17:41,586,742, plus strand): 5'-AGACAGGCCGCCCCCGTAGGTGCTGGGGGCGCGGCAGGACCCTCCGGCCAGGACGGAGGA[GA>G]TGCGGCTGGAGCCGCCCCCGATGCCGCCCCCGATGCCGCAGGAGCCCTTCATGGAGCTGG-3'